The following is an entry in ClinVar:

ClinVar aggregate classification (germline): Benign/Likely benign. Review status: criteria provided, multiple submitters, no conflicts (2 of 4 stars). 2 submissions from 2 submitters: Benign (1); Likely benign (1). Last evaluated 2025-12-09.

Conditions:
Hereditary cancer-predisposing syndrome. Also called: Neoplastic Syndromes, Hereditary; Tumor predisposition; Hereditary Cancer Syndrome; Hereditary neoplastic syndrome. Identifiers: Orphanet 140162, MedGen C0027672, MeSH D009386, MONDO:0015356.
Hereditary leiomyomatosis and renal cell cancer. Also called: MULTIPLE CUTANEOUS AND UTERINE LEIOMYOMATA 1, WITH OR WITHOUT RENAL CELL CARCINOMA; LEIOMYOMA, MULTIPLE CUTANEOUS; FH tumor predisposition syndrome; Reed syndrome; Multiple cutaneous and uterine leiomyomatosis; Cutaneous leiomyomata with uterine leiomyomata. Identifiers: Orphanet 523, MedGen C1708350, MONDO:0007888, OMIM 150800, HP:0007437. Disease mechanism: loss of function.

Submissions (2):

Ambry Genetics
Classification: Likely benign for Hereditary cancer-predisposing syndrome. Last evaluated: 2025-12-09. Review status: criteria provided, single submitter. Criteria: Ambry Variant Classification Scheme 2023. Collection method: clinical testing. Allele origin: germline.

Myriad Genetics, Inc.
Classification: Benign for Hereditary leiomyomatosis and renal cell cancer. Last evaluated: 2024-10-17. Review status: criteria provided, single submitter. Criteria: Myriad Autosomal Dominant, Autosomal Recessive and X-Linked Classification Criteria (2023). Collection method: clinical testing. Allele origin: unknown.
Comment: This variant is considered benign. This variant is a silent/synonymous amino acid change and it is not expected to impact splicing.

NM_000143.4(FH):c.324G>A (p.Gln108=)

Gene: FH (fumarate hydratase; minus strand). Cytogenetic location: 1q43.
Variant type: single nucleotide variant.
Coding change: c.324G>A on transcript NM_000143.4 (MANE Select); coding-DNA position 324, G replaced by A.
Protein change: p.Gln108=; no amino-acid change (glutamine 108 retained).
Molecular consequence: synonymous variant.
Genome position (GRCh38, 1-based): chr1:241,513,657, C>T on the plus strand (G>A on the coding strand, the complement: FH is on the minus strand). VCF-style: chr1-241513657-C-T. GRCh37 (hg19) VCF-style: chr1-241676957-C-T.
Identifiers: ClinVar variation 3773402 (VCV003773402.1).